The following is an entry in ClinVar:

ClinVar aggregate classification (germline): Benign/Likely benign. Review status: criteria provided, multiple submitters, no conflicts (2 of 4 stars). 4 submissions from 4 submitters: Benign (1); Likely benign (3). Last evaluated 2025-06-23.

Conditions:
Hereditary cancer-predisposing syndrome. Also called: Tumor predisposition; Hereditary neoplastic syndrome; Neoplastic Syndromes, Hereditary; Hereditary Cancer Syndrome. Identifiers: Orphanet 140162, MedGen C0027672, MeSH D009386, MONDO:0015356.
Tuberous sclerosis 2 (TSC2). Identifiers: Orphanet 805, MedGen C1860707, MONDO:0013199, OMIM 613254.
Tuberous sclerosis syndrome (TSC). Also called: Tuberous Sclerosis Complex; Tuberous sclerosis. Identifiers: Orphanet 805, MedGen C0041341, MONDO:0001734.

Allele frequency attached by ClinVar (database versions not stated): gnomAD exomes below 0.00001.
gnomAD v4.1: 1 of 1,613,954 alleles (0.000062%); highest among the groups gnomAD compares: Non-Finnish European, 0.000085%; no homozygotes.

Submissions (4):

Color Diagnostics, LLC DBA Color Health
Classification: Likely benign for Tuberous sclerosis syndrome. Last evaluated: 2025-06-23. Review status: criteria provided, single submitter. Criteria: ACMG Guidelines, 2015. Collection method: clinical testing. Allele origin: germline.

Myriad Genetics, Inc.
Classification: Benign for Tuberous sclerosis 2. Last evaluated: 2025-04-30. Review status: criteria provided, single submitter. Criteria: Myriad Autosomal Dominant, Autosomal Recessive and X-Linked Classification Criteria (2023). Collection method: clinical testing. Allele origin: unknown.
Comment: This variant is considered benign. This variant is a silent/synonymous amino acid change and it is not expected to impact splicing.

Labcorp Genetics (formerly Invitae), Labcorp
Classification: Likely benign for Tuberous sclerosis 2. Last evaluated: 2025-04-18. Review status: criteria provided, single submitter. Criteria: Invitae Variant Classification Sherloc (09022015). Collection method: clinical testing. Allele origin: germline.

Ambry Genetics
Classification: Likely benign for Hereditary cancer-predisposing syndrome. Last evaluated: 2023-09-23. Review status: criteria provided, single submitter. Criteria: Ambry Variant Classification Scheme 2023. Collection method: clinical testing. Allele origin: germline.

NM_000548.5(TSC2):c.30C>G (p.Gly10=)

Gene: TSC2 (TSC complex subunit 2; plus strand). Cytogenetic location: 16p13.3.
Variant type: single nucleotide variant.
Coding change: c.30C>G on transcript NM_000548.5 (MANE Select); coding-DNA position 30, C replaced by G.
Protein change: p.Gly10=; no amino-acid change (glycine 10 retained).
Molecular consequence: synonymous variant. On other transcripts: 5 prime UTR variant (1), intron variant (1).
Genome position (GRCh38, 1-based): chr16:2,048,645, C>G. VCF-style: chr16-2048645-C-G. GRCh37 (hg19) VCF-style: chr16-2098646-C-G.
Other names: c.30C>G, p.Gly10= (NM_001077183.3, NM_001114382.3, NM_001318827.2 and 4 more transcripts); c.-197C>G (NM_001318831.2); c.63C>G, p.Gly21= (NM_001318832.2); c.-10+580C>G (NM_001318829.2).
Identifiers: ClinVar variation 702471 (VCV000702471.12), dbSNP rs876659726, ClinGen allele CA492954132.